The following is an entry in ClinVar:

ClinVar aggregate classification (germline): Uncertain significance (1 of 4 stars; one submission).

Allele frequency attached by ClinVar (database versions not stated): gnomAD exomes 0.00002; TOPMed 0.00001.
gnomAD v4.1: 28 of 1,613,476 alleles (0.0017%); highest among the groups gnomAD compares: Non-Finnish European, 0.0024%; no homozygotes.

Submission:

Labcorp Genetics (formerly Invitae), Labcorp
Classification: Uncertain significance. Last evaluated: 2025-07-30. Review status: criteria provided, single submitter. Criteria: Invitae Variant Classification Sherloc (09022015). Collection method: clinical testing. Allele origin: germline.
Comment: This sequence change falls in intron 11 of the JAK1 gene. It does not directly change the encoded amino acid sequence of the JAK1 protein. It affects a nucleotide within the consensus splice site. This variant is present in population databases (no rsID available, gnomAD 0.0009%). This variant has not been reported in the literature in individuals affected with JAK1-related conditions. ClinVar contains an entry for this variant (Variation ID: 3004048). Variants that disrupt the consensus splice site are a relatively common cause of aberrant splicing (PMID: 17576681, 9536098). Algorithms developed to predict the effect of sequence changes on RNA splicing suggest that this variant is not likely to affect RNA splicing. In summary, the available evidence is currently insufficient to determine the role of this variant in disease. Therefore, it has been classified as a Variant of Uncertain Significance.

Literature cited by the submitters: PubMed 17576681; PubMed 9536098.

NM_002227.4(JAK1):c.1648+4C>T

Gene: JAK1 (Janus kinase 1; minus strand). Cytogenetic location: 1p31.3.
Variant type: single nucleotide variant.
Coding change: c.1648+4C>T on transcript NM_002227.4 (MANE Select); 4 bases into the intron after coding-DNA position 1648, C replaced by T.
Molecular consequence: intron variant.
Genome position (GRCh38, 1-based): chr1:64,855,505, G>A on the plus strand (C>T on the coding strand, the complement: JAK1 is on the minus strand). VCF-style: chr1-64855505-G-A. GRCh37 (hg19) VCF-style: chr1-65321188-G-A.
Other names: c.1648+4C>T (NM_001321852.2, NM_001321854.2, NM_001321853.2 and 3 more transcripts); c.1645+4C>T (NM_001321857.2).
Identifiers: ClinVar variation 3004048 (VCV003004048.3), dbSNP rs1472164588, ClinGen allele CA523592281.
Genomic context (GRCh38, chr1:64,855,505, plus strand): 5'-GTCGATCTGGGTCTCAGCACATTACTGATGGGATACAGCCTGGCTCTGGCACAGGGAGAC[G>A]AACCTCGGGGCTTGGGCTGGCAGCAGCGTTTTAGCATGAAGCTGATGTTATCCGTGCGCA-3'